The following is an entry in ClinVar:

ClinVar aggregate classification (germline): Uncertain significance (1 of 4 stars; one submission).

Allele frequency attached by ClinVar (database versions not stated): ExAC 0.00001; gnomAD exomes 0.00003; TOPMed 0.00003.
gnomAD v4.1: 41 of 1,614,098 alleles (0.0025%); highest among the groups gnomAD compares: Non-Finnish European, 0.0034%; no homozygotes.

Submission:

GeneDx
Classification: Uncertain significance. Last evaluated: 2023-02-06. Review status: criteria provided, single submitter. Criteria: GeneDx Variant Classification Process June 2021. Collection method: clinical testing. Allele origin: germline. Affected: yes.
Comment: Identified in a patient with Parkinson disease; however, familial segregation information and additional clinical information was not provided (den Heijer et al., 2020); In silico analysis supports that this missense variant does not alter protein structure/function; Also known as p.Q350H; This variant is associated with the following publications: (PMID: 32618053)

NM_000157.4(GBA1):c.1167G>C (p.Gln389His)

Genes: GBA1 (glucosylceramidase beta 1; minus strand), LOC106627981 (GBA recombination region; plus strand). Cytogenetic location: 1q22.
Variant type: single nucleotide variant.
Coding change: c.1167G>C on transcript NM_000157.4 (MANE Select); coding-DNA position 1167, G replaced by C.
Protein change: p.Gln389His; replaces glutamine 389 with histidine.
Molecular consequence: missense variant.
Genome position (GRCh38, 1-based): chr1:155,236,302, C>G on the plus strand (G>C on the coding strand, the complement: GBA1 is on the minus strand). VCF-style: chr1-155236302-C-G. GRCh37 (hg19) VCF-style: chr1-155206093-C-G.
Other names: c.1167G>C, p.Gln389His (NM_001005741.3, NM_001005742.3); c.906G>C, p.Gln302His (NM_001171811.2); c.1020G>C, p.Gln340His (NM_001171812.2); short protein forms Q302H, Q340H, Q389H.
Identifiers: ClinVar variation 2574921 (VCV002574921.1), dbSNP rs761681845, ClinGen allele CA1141607.